The following is an entry in ClinVar:

NM_182493.3(MYLK3):c.377C>T (p.Ala126Val)

Gene: MYLK3 (myosin light chain kinase 3; minus strand). Cytogenetic location: 16q11.2.
Variant type: single nucleotide variant.
Coding change: c.377C>T on transcript NM_182493.3 (MANE Select); coding-DNA position 377, C replaced by T.
Protein change: p.Ala126Val; replaces alanine 126 with valine.
Molecular consequence: missense variant. On other transcripts: intron variant (1).
Genome position (GRCh38, 1-based): chr16:46,747,817, G>A on the plus strand (C>T on the coding strand, the complement: MYLK3 is on the minus strand). VCF-style: chr16-46747817-G-A. GRCh37 (hg19) VCF-style: chr16-46781729-G-A.
Other names: c.-113-7670C>T (NM_001308301.1); short protein forms A126V.
Identifiers: ClinVar variation 3616374 (VCV003616374.2).

ClinVar aggregate classification (germline): Uncertain significance (1 of 4 stars; one submission).

gnomAD v4.1: 18 of 1,614,230 alleles (0.0011%); highest among the groups gnomAD compares: Non-Finnish European, 0.0015%; no homozygotes.

Submission:

Labcorp Genetics (formerly Invitae), Labcorp
Classification: Uncertain significance. Last evaluated: 2024-07-30. Review status: criteria provided, single submitter. Criteria: Invitae Variant Classification Sherloc (09022015). Collection method: clinical testing. Allele origin: germline.
Comment: This sequence change replaces alanine, which is neutral and non-polar, with valine, which is neutral and non-polar, at codon 126 of the MYLK3 protein (p.Ala126Val). This variant is not present in population databases (gnomAD no frequency). This variant has not been reported in the literature in individuals affected with MYLK3-related conditions. An algorithm developed to predict the effect of missense changes on protein structure and function (PolyPhen-2) suggests that this variant is likely to be disruptive. In summary, the available evidence is currently insufficient to determine the role of this variant in disease. Therefore, it has been classified as a Variant of Uncertain Significance.